The following is an entry in ClinVar:

NM_016222.4(DDX41):c.1859T>C (p.Met620Thr)

Gene: DDX41 (DEAD-box helicase 41; minus strand). Cytogenetic location: 5q35.3.
Variant type: single nucleotide variant.
Coding change: c.1859T>C on transcript NM_016222.4 (MANE Select); coding-DNA position 1859, T replaced by C.
Protein change: p.Met620Thr; replaces methionine 620 with threonine.
Molecular consequence: missense variant.
Genome position (GRCh38, 1-based): chr5:177,511,801, A>G on the plus strand (T>C on the coding strand, the complement: DDX41 is on the minus strand). VCF-style: chr5-177511801-A-G. GRCh37 (hg19) VCF-style: chr5-176938802-A-G.
Other names: c.1481T>C, p.Met494Thr (NM_001321732.2, NM_001321830.2); short protein forms M494T, M620T.
Identifiers: ClinVar variation 4617136 (VCV004617136.1).
Genomic context (GRCh38, chr5:177,511,801, plus strand): 5'-TGGCAGTCTTGGGGACTGAGGCCTCTTGGAGAGAAGGGAAGACTGTCGGCTCAGAAGTCC[A>G]TGGAGCTGTGGGCCAGGTAGTCCTTGCGACCGATGTTGCTGACCTGCTTGGTCTGCATAG-3'
Protein context (NP_057306.2, residues 610-622): GRKDYLAHSS[Met620Thr]DF

ClinVar aggregate classification (germline): Uncertain significance (1 of 4 stars; one submission).

Conditions:
Inborn genetic diseases. Identifiers: MedGen C0950123, MeSH D030342.

Submission:

Ambry Genetics
Classification: Uncertain significance for Inborn genetic diseases. Last evaluated: 2025-09-29. Review status: criteria provided, single submitter. Criteria: Ambry Variant Classification Scheme 2023. Collection method: clinical testing. Allele origin: germline.
Comment: The p.M620T variant (also known as c.1859T>C), located in coding exon 17 of the DDX41 gene, results from a T to C substitution at nucleotide position 1859. The methionine at codon 620 is replaced by threonine, an amino acid with similar properties. This amino acid position is conserved. In addition, the in silico prediction for this alteration is inconclusive. Based on the available evidence, the clinical significance of this variant remains unclear.